The following is an entry in ClinVar:

ClinVar aggregate classification (germline): Uncertain significance (1 of 4 stars; one submission).

Allele frequency attached by ClinVar (database versions not stated): ESP Exome Variant Server 0.00123.
gnomAD v4.1: 1,820 of 1,614,014 alleles (0.11%); highest among the groups gnomAD compares: Non-Finnish European, 0.14%; no homozygotes.

Submission:

Labcorp Genetics (formerly Invitae), Labcorp
Classification: Uncertain significance. Last evaluated: 2025-07-23. Review status: criteria provided, single submitter. Criteria: Invitae Variant Classification Sherloc (09022015). Collection method: clinical testing. Allele origin: germline.
Comment: This sequence change replaces alanine, which is neutral and non-polar, with threonine, which is neutral and polar, at codon 50 of the MED20 protein (p.Ala50Thr). This variant is present in population databases (rs140526856, gnomAD 0.1%), and has an allele count higher than expected for a pathogenic variant. This variant has not been reported in the literature in individuals affected with MED20-related conditions. ClinVar contains an entry for this variant (Variation ID: 2854121). An algorithm developed to predict the effect of missense changes on protein structure and function (PolyPhen-2) suggests that this variant is likely to be tolerated. In summary, the available evidence is currently insufficient to determine the role of this variant in disease. Therefore, it has been classified as a Variant of Uncertain Significance.

NM_004275.5(MED20):c.148G>A (p.Ala50Thr)

Genes: BYSL (bystin like; plus strand), MED20 (mediator complex subunit 20; minus strand), LOC126859675 (MED14-independent group 3 enhancer GRCh37_chr6:41884515-41885714; plus strand). Cytogenetic location: 6p21.1.
Variant type: single nucleotide variant.
Coding change: c.148G>A on transcript NM_004275.5 (MANE Select); coding-DNA position 148, G replaced by A.
Protein change: p.Ala50Thr; replaces alanine 50 with threonine.
Molecular consequence: missense variant. On other transcripts: 5 prime UTR variant (1), non-coding transcript variant (1), intron variant (1).
Genome position (GRCh38, 1-based): chr6:41,916,806, C>T on the plus strand (G>A on the coding strand, the complement: MED20 is on the minus strand). VCF-style: chr6-41916806-C-T. GRCh37 (hg19) VCF-style: chr6-41884544-C-T.
Other names: c.-155G>A (NM_001305456.2); c.148G>A, p.Ala50Thr (NM_001305457.2); c.-18+4199G>A (NM_001305455.2); short protein forms A50T.
Identifiers: ClinVar variation 2854121 (VCV002854121.3), dbSNP rs140526856, ClinGen allele CA3803640.